The following is an entry in ClinVar:

NM_000124.4(ERCC6):c.2287-1G>A

Gene: ERCC6 (ERCC excision repair 6, chromatin remodeling factor; minus strand). Cytogenetic location: 10q11.23.
Variant type: single nucleotide variant.
Coding change: c.2287-1G>A on transcript NM_000124.4 (MANE Select); the canonical splice acceptor site of the intron before coding-DNA position 2287, G replaced by A.
Molecular consequence: splice acceptor variant.
Genome position (GRCh38, 1-based): chr10:49,476,311, C>T on the plus strand (G>A on the coding strand, the complement: ERCC6 is on the minus strand). VCF-style: chr10-49476311-C-T. GRCh37 (hg19) VCF-style: chr10-50684357-C-T.
Other names: c.2287-1G>A (NM_001346440.2).
Identifiers: ClinVar variation 4735612 (VCV004735612.1).

ClinVar aggregate classification (germline): Pathogenic (1 of 4 stars; one submission).

Submission:

Labcorp Genetics (formerly Invitae), Labcorp
Classification: Pathogenic. Last evaluated: 2026-01-18. Review status: criteria provided, single submitter. Criteria: Invitae Variant Classification Sherloc (09022015). Collection method: clinical testing. Allele origin: germline.
Comment: This sequence change affects an acceptor splice site in intron 11 of the ERCC6 gene. It is expected to disrupt RNA splicing. Variants that disrupt the donor or acceptor splice site typically lead to a loss of protein function (PMID: 16199547), and loss-of-function variants in ERCC6 are known to be pathogenic (PMID: 18628313, 29572252). This variant is not present in population databases (gnomAD no frequency). Disruption of this splice site has been observed in individuals with ERCC6-related conditions (PMID: 19894250, 29572252). Algorithms developed to predict the effect of sequence changes on RNA splicing suggest that this variant may disrupt the consensus splice site. For these reasons, this variant has been classified as Pathogenic.

Literature cited by the submitters: PubMed 16199547; PubMed 18628313; PubMed 29572252; PubMed 19894250.